The following is an entry in ClinVar:

NM_003108.4(SOX11):c.1045_1065dup (p.Gly355_Glu356insSerSerSerGlySerSerGly)

Gene: SOX11 (SRY-box transcription factor 11; plus strand). Cytogenetic location: 2p25.2.
Variant type: Duplication.
Coding change: c.1045_1065dup on transcript NM_003108.4 (MANE Select); coding-DNA positions 1045 to 1065, 21 bases duplicated (AGCAGCAGCGGCAGCAGCGGC).
Protein change: p.Gly355_Glu356insSerSerSerGlySerSerGly.
Molecular consequence: inframe insertion.
Genome position (GRCh38, 1-based): chr2:5,693,766-5,693,786, AGCAGCAGCGGCAGCAGCGGC duplicated; duplicating any 21 consecutive bases within chr2:5,693,755-5,693,786 gives the same sequence; the c. name uses the placement nearest the transcript's 3' end. VCF-style (leftmost placement, unchanged base first): chr2-5693754-A-AGCAGCAGCGGCAGCAGCAGCG. GRCh37 (hg19) VCF-style: chr2-5833886-A-AGCAGCAGCGGCAGCAGCAGCG.
Other names: c.1045_1065dup21 (NM_003108.3); c.1045_1065dupAGCAGCAGCGGCAGCAGCGGC (NM_003108.3).
Identifiers: ClinVar variation 2169103 (VCV002169103.7), dbSNP rs753250252, ClinGen allele CA1517976.

ClinVar aggregate classification (germline): Likely benign. Review status: criteria provided, multiple submitters, no conflicts (2 of 4 stars). 3 submissions from 3 submitters: Likely benign (2). 1 of the submissions does not count toward it. Last evaluated 2025-07-28.

Conditions:
Inborn genetic diseases. Identifiers: MedGen C0950123, MeSH D030342.
SOX11-related disorder. Also called: SOX11-related condition.

Submissions (3):

Labcorp Genetics (formerly Invitae), Labcorp
Classification: Likely benign. Last evaluated: 2025-07-28. Review status: criteria provided, single submitter. Criteria: Invitae Variant Classification Sherloc (09022015). Collection method: clinical testing. Allele origin: germline.

Ambry Genetics
Classification: Likely benign for Inborn genetic diseases. Last evaluated: 2022-05-04. Review status: criteria provided, single submitter. Criteria: Ambry Variant Classification Scheme 2023. Collection method: clinical testing. Allele origin: germline.

PreventionGenetics, part of Exact Sciences
Classification: Likely benign for SOX11-related condition. Last evaluated: 2022-07-28. Review status: no assertion criteria provided. Collection method: clinical testing. Allele origin: germline. Not counted in ClinVar's aggregate classification.
Comment: This variant is classified as likely benign based on ACMG/AMP sequence variant interpretation guidelines (Richards et al. 2015 PMID: 25741868, with internal and published modifications).